The following is an entry in ClinVar:

ClinVar aggregate classification (germline): Uncertain significance. Review status: criteria provided, multiple submitters, no conflicts (2 of 4 stars). 2 submissions from 2 submitters: Uncertain significance (2). Last evaluated 2024-02-02.

Conditions:
Werner syndrome (WRN). Identifiers: Orphanet 902, MedGen C0043119, MONDO:0010196, OMIM 277700.

Allele frequency attached by ClinVar (database versions not stated): gnomAD exomes below 0.00001.
gnomAD v4.1: 1 of 1,613,822 alleles (0.000062%); highest among the groups gnomAD compares: Non-Finnish European, 0.000085%; no homozygotes.

Submissions (2):

Fulgent Genetics
Classification: Uncertain significance for Werner syndrome. Last evaluated: 2024-02-02. Review status: criteria provided, single submitter. Criteria: ACMG Guidelines, 2015. Collection method: clinical testing. Allele origin: germline.

Labcorp Genetics (formerly Invitae), Labcorp
Classification: Uncertain significance for Werner syndrome. Last evaluated: 2021-10-23. Review status: criteria provided, single submitter. Criteria: Invitae Variant Classification Sherloc (09022015). Collection method: clinical testing. Allele origin: germline.
Comment: This variant is not present in population databases (gnomAD no frequency). This variant has not been reported in the literature in individuals affected with WRN-related conditions. Algorithms developed to predict the effect of missense changes on protein structure and function are either unavailable or do not agree on the potential impact of this missense change (SIFT: "Not Available"; PolyPhen-2: "Probably Damaging"; Align-GVGD: "Not Available"). This sequence change replaces histidine, a(n) basic and polar amino acid, with tyrosine, a(n) neutral and polar amino acid, at codon 671 of the WRN protein (p.His671Tyr). In summary, the available evidence is currently insufficient to determine the role of this variant in disease. Therefore, it has been classified as a Variant of Uncertain Significance.

NM_000553.6(WRN):c.2011C>T (p.His671Tyr)

Gene: WRN (WRN RecQ like helicase; plus strand). Cytogenetic location: 8p12.
Variant type: single nucleotide variant.
Coding change: c.2011C>T on transcript NM_000553.6 (MANE Select); coding-DNA position 2011, C replaced by T.
Protein change: p.His671Tyr; replaces histidine 671 with tyrosine.
Molecular consequence: missense variant.
Genome position (GRCh38, 1-based): chr8:31,100,878, C>T. VCF-style: chr8-31100878-C-T. GRCh37 (hg19) VCF-style: chr8-30958394-C-T.
Other names: short protein forms H671Y.
Identifiers: ClinVar variation 1517053 (VCV001517053.7), dbSNP rs2130229162, ClinGen allele CA370908348.